The following is an entry in ClinVar:

NM_005618.4(DLL1):c.204G>C (p.Gln68His)

Gene: DLL1 (delta like canonical Notch ligand 1; minus strand). Cytogenetic location: 6q27.
Variant type: single nucleotide variant.
Coding change: c.204G>C on transcript NM_005618.4 (MANE Select); coding-DNA position 204, G replaced by C.
Protein change: p.Gln68His; replaces glutamine 68 with histidine.
Molecular consequence: missense variant.
Genome position (GRCh38, 1-based): chr6:170,289,659, C>G on the plus strand (G>C on the coding strand, the complement: DLL1 is on the minus strand). VCF-style: chr6-170289659-C-G. GRCh37 (hg19) VCF-style: chr6-170598747-C-G.
Other names: short protein forms Q68H.
Identifiers: ClinVar variation 2581837 (VCV002581837.1), dbSNP rs1583157663, ClinGen allele CA366510109.

ClinVar aggregate classification (germline): Uncertain significance (1 of 4 stars; one submission).

Submission:

GeneDx
Classification: Uncertain significance. Last evaluated: 2023-03-29. Review status: criteria provided, single submitter. Criteria: GeneDx Variant Classification Process June 2021. Collection method: clinical testing. Allele origin: germline. Affected: yes.
Comment: Not observed at significant frequency in large population cohorts (gnomAD); In silico analysis supports that this missense variant has a deleterious effect on protein structure/function; Has not been previously published as pathogenic or benign to our knowledge